The following is an entry in ClinVar:

NM_022463.5(NXN):c.278C>T (p.Ser93Leu)

Gene: NXN (nucleoredoxin; minus strand). Cytogenetic location: 17p13.3.
Variant type: single nucleotide variant.
Coding change: c.278C>T on transcript NM_022463.5 (MANE Select); coding-DNA position 278, C replaced by T.
Protein change: p.Ser93Leu; replaces serine 93 with leucine.
Molecular consequence: missense variant.
Genome position (GRCh38, 1-based): chr17:979,401, G>A on the plus strand (C>T on the coding strand, the complement: NXN is on the minus strand). VCF-style: chr17-979401-G-A. GRCh37 (hg19) VCF-style: chr17-882641-G-A.
Other names: c.278C>T (NM_022463.4); short protein forms S93L.
Identifiers: ClinVar variation 1386855 (VCV001386855.6), dbSNP rs371113760, ClinGen allele CA8264283.

ClinVar aggregate classification (germline): Uncertain significance. Review status: criteria provided, multiple submitters, no conflicts (2 of 4 stars). 2 submissions from 2 submitters: Uncertain significance (2). Last evaluated 2024-01-19.

Allele frequency attached by ClinVar (database versions not stated): gnomAD exomes 0.00004 and 0.00011; ExAC 0.00006; ESP Exome Variant Server 0.00017.
gnomAD v4.1: 149 of 1,461,518 alleles (0.01%); highest among the groups gnomAD compares: Non-Finnish European, 0.013%; no homozygotes.

Submissions (2):

Ambry Genetics
Classification: Uncertain significance. Last evaluated: 2024-01-19. Review status: criteria provided, single submitter. Criteria: Ambry Variant Classification Scheme 2023. Collection method: clinical testing. Allele origin: germline.

Labcorp Genetics (formerly Invitae), Labcorp
Classification: Uncertain significance. Last evaluated: 2021-09-17. Review status: criteria provided, single submitter. Criteria: Invitae Variant Classification Sherloc (09022015). Collection method: clinical testing. Allele origin: germline.
Comment: This sequence change replaces serine with leucine at codon 93 of the NXN protein (p.Ser93Leu). The serine residue is moderately conserved and there is a large physicochemical difference between serine and leucine. This variant is present in population databases (rs371113760, ExAC 0.02%). This variant has not been reported in the literature in individuals affected with NXN-related conditions. Algorithms developed to predict the effect of missense changes on protein structure and function (SIFT, PolyPhen-2, Align-GVGD) all suggest that this variant is likely to be tolerated. In summary, the available evidence is currently insufficient to determine the role of this variant in disease. Therefore, it has been classified as a Variant of Uncertain Significance.